The following is an entry in ClinVar:

NM_000138.5(FBN1):c.5516A>G (p.Tyr1839Cys)

Gene: FBN1 (fibrillin 1; minus strand). Cytogenetic location: 15q21.1.
Variant type: single nucleotide variant.
Coding change: c.5516A>G on transcript NM_000138.5 (MANE Select); coding-DNA position 5516, A replaced by G.
Protein change: p.Tyr1839Cys; replaces tyrosine 1839 with cysteine.
Molecular consequence: missense variant.
Genome position (GRCh38, 1-based): chr15:48,452,591, T>C on the plus strand (A>G on the coding strand, the complement: FBN1 is on the minus strand). VCF-style: chr15-48452591-T-C. GRCh37 (hg19) VCF-style: chr15-48744788-T-C.
Other names: short protein forms Y1839C.
Identifiers: ClinVar variation 642146 (VCV000642146.10), dbSNP rs758725993, ClinGen allele CA392344018.

ClinVar aggregate classification (germline): Uncertain significance (1 of 4 stars; one submission).

Conditions:
Familial thoracic aortic aneurysm and aortic dissection (TAAD). Also called: Thoracic aortic aneurysms and dissections. Identifiers: Orphanet 91387, MedGen C4707243, MONDO:0019625.
Marfan syndrome (MFS). Also called: FBN1-Related Marfan Syndrome; Marfan syndrome type 1; Marfan's syndrome; Marfan syndrome, classic; MARFAN SYNDROME, TYPE I. Identifiers: Orphanet 284963, Orphanet 558, MedGen C0024796, MONDO:0007947, OMIM 154700.

Submission:

Labcorp Genetics (formerly Invitae), Labcorp
Classification: Uncertain significance for Marfan syndrome; Familial thoracic aortic aneurysm and aortic dissection. Last evaluated: 2022-06-04. Review status: criteria provided, single submitter. Criteria: Invitae Variant Classification Sherloc (09022015). Collection method: clinical testing. Allele origin: germline.
Comment: In summary, the available evidence is currently insufficient to determine the role of this variant in disease. Therefore, it has been classified as a Variant of Uncertain Significance. This variant is not present in population databases (gnomAD no frequency). Advanced modeling of protein sequence and biophysical properties (such as structural, functional, and spatial information, amino acid conservation, physicochemical variation, residue mobility, and thermodynamic stability) performed at Invitae indicates that this missense variant is expected to disrupt FBN1 protein function. ClinVar contains an entry for this variant (Variation ID: 642146). This variant has not been reported in the literature in individuals affected with FBN1-related conditions. This sequence change replaces tyrosine, which is neutral and polar, with cysteine, which is neutral and slightly polar, at codon 1839 of the FBN1 protein (p.Tyr1839Cys).